The following is an entry in ClinVar:

NM_000548.5(TSC2):c.5024del (p.Pro1675fs)

Gene: TSC2 (TSC complex subunit 2; plus strand). Cytogenetic location: 16p13.3.
Variant type: Deletion.
Coding change: c.5024del on transcript NM_000548.5 (MANE Select); coding-DNA position 5024, one base deleted (C; older notation c.5024delC).
Protein change: p.Pro1675fs; shifts the reading frame from proline 1675.
Molecular consequence: frameshift variant.
Genome position (GRCh38, 1-based): chr16:2,087,897, C deleted; the last of 4 consecutive C bases (chr16:2,087,894-2,087,897); deleting any one gives the same sequence. VCF-style (leftmost placement, unchanged base first): chr16-2087893-AC-A. GRCh37 (hg19) VCF-style: chr16-2137894-AC-A.
Other names: c.4823del, p.Pro1608fs (NM_001077183.3); c.4955del, p.Pro1652fs (NM_001114382.3); c.4715del, p.Pro1572fs (NM_001318827.2); c.4679del, p.Pro1560fs (NM_001318829.2); c.4292del, p.Pro1431fs (NM_001318831.2); c.4856del, p.Pro1619fs (NM_001318832.2); c.4826del, p.Pro1609fs (NM_001363528.2); c.4892del, p.Pro1631fs (NM_001370404.1); and 1 more; short protein forms P1608fs, P1572fs, P1652fs, P1431fs, P1560fs, P1609fs, P1619fs, P1632fs.
Identifiers: ClinVar variation 64891 (VCV000064891.3), dbSNP rs397514915, ClinGen allele CA021529.

ClinVar aggregate classification (germline): Pathogenic. Review status: criteria provided, single submitter (1 of 4 stars). 2 submissions from 2 submitters: Pathogenic (1). 1 of the submissions does not count toward it. Last evaluated 2025-10-25.

Conditions:
Tuberous sclerosis 2 (TSC2). Identifiers: Orphanet 805, MedGen C1860707, MONDO:0013199, OMIM 613254.
Tuberous sclerosis syndrome (TSC). Also called: Tuberous Sclerosis Complex; Tuberous sclerosis. Identifiers: Orphanet 805, MedGen C0041341, MONDO:0001734.

Submissions (2):

Labcorp Genetics (formerly Invitae), Labcorp
Classification: Pathogenic for Tuberous sclerosis 2. Last evaluated: 2025-10-25. Review status: criteria provided, single submitter. Criteria: Invitae Variant Classification Sherloc (09022015). Collection method: clinical testing. Allele origin: germline.
Comment: This sequence change is expected to alter the c-terminus of the TSC2 protein (p.Pro1675Argfs*151). While this is not anticipated to result in nonsense mediated decay, it is expected to disrupt the last 133 amino acid(s) of the TSC2 protein and extend the protein by 17 additional amino acid residues. This variant is not present in population databases (gnomAD no frequency). This frameshift has been observed in individual(s) with tuberous sclerosis complex (PMID: 27859028). In at least one individual the variant was observed to be de novo. This variant is also known as c.5021delC (p.P1675Rfs*151) . ClinVar contains an entry for this variant (Variation ID: 64891). This variant disrupts a region of the TSC2 protein in which other variant(s) (p.Ile1747Asn) have been determined to be pathogenic (PMID: 36030538; internal data). This suggests that this is a clinically significant region of the protein, and that variants that disrupt it are likely to be disease-causing. For these reasons, this variant has been classified as Pathogenic.

Tuberous sclerosis database (TSC2)
No classification provided. Condition: TSC. Review status: no classification provided. Criteria: Tuberous Sclerosis Database Assertion Criteria 2015. Collection method: curation. Allele origin: germline. Affected: yes. Not counted in ClinVar's aggregate classification.

Literature cited by the submitters: PubMed 27859028 (cited by Labcorp Genetics (formerly Invitae), Labcorp); PubMed 36030538 (cited by Labcorp Genetics (formerly Invitae), Labcorp).